The following is an entry in ClinVar:

ClinVar aggregate classification (germline): Uncertain significance (1 of 4 stars; one submission).

Conditions:
Very long chain acyl-CoA dehydrogenase deficiency (ACADVLD). Also called: Very Long-Chain Acyl-Coenzyme A Dehydrogenase Deficiency; VLCAD Deficiency. Identifiers: Orphanet 26793, MedGen C3887523, MONDO:0008723, OMIM 201475.

Submission:

Wong Mito Lab, Molecular and Human Genetics, Baylor College of Medicine
Classification: Uncertain significance for Very long chain acyl-CoA dehydrogenase deficiency. Last evaluated: 2019-11-01. Review status: criteria provided, single submitter. Criteria: ACMG Guidelines, 2015. Collection method: clinical testing. Allele origin: germline.
Comment: The NM_000018.3:c.879-11C>G (NP_000009.1:p.?) [GRCH38: NC_000017.11:g.7222656C>G] variant in ACADVL gene is interpretated to be Uncertain Significance based on ACMG guidelines (PMID: 25741868). This variant has been reported. This variant dose not meet any evidence codes reported in the ACMG guidelines.

NM_000018.4(ACADVL):c.879-11C>G

Gene: ACADVL (acyl-CoA dehydrogenase very long chain; plus strand). Cytogenetic location: 17p13.1.
Variant type: single nucleotide variant.
Coding change: c.879-11C>G on transcript NM_000018.4 (MANE Select); 11 bases into the intron before coding-DNA position 879, C replaced by G.
Molecular consequence: intron variant.
Genome position (GRCh38, 1-based): chr17:7,222,656, C>G. VCF-style: chr17-7222656-C-G. GRCh37 (hg19) VCF-style: chr17-7125975-C-G.
Other names: c.948-11C>G (NM_001270447.2); c.651-11C>G (NM_001270448.2); c.813-11C>G (NM_001033859.3).
Identifiers: ClinVar variation 932757 (VCV000932757.2), dbSNP rs1395957890, ClinGen allele CA1139665144.